The following is an entry in ClinVar:

ClinVar aggregate classification (germline): Uncertain significance. Review status: criteria provided, multiple submitters, no conflicts (2 of 4 stars). 3 submissions from 3 submitters: Uncertain significance (2). 1 of the submissions does not count toward it. Last evaluated 2022-10-07.

Conditions:
BBIP1-related disorder. Also called: BBIP1-related condition.

Allele frequency attached by ClinVar (database versions not stated): TOPMed below 0.00001; gnomAD 0.00001; gnomAD exomes 0.00002.
gnomAD v4.1: 35 of 1,535,164 alleles (0.0023%); highest among the groups gnomAD compares: South Asian, 0.0036%; no homozygotes.

Submissions (3):

Blueprint Genetics
Classification: Uncertain significance. Last evaluated: 2022-10-07. Review status: criteria provided, single submitter. Criteria: ACMG Guidelines, 2015. Collection method: clinical testing. Allele origin: germline.

Labcorp Genetics (formerly Invitae), Labcorp
Classification: Uncertain significance. Last evaluated: 2022-07-19. Review status: criteria provided, single submitter. Criteria: Invitae Variant Classification Sherloc (09022015). Collection method: clinical testing. Allele origin: germline.
Comment: In summary, the available evidence is currently insufficient to determine the role of this variant in disease. Therefore, it has been classified as a Variant of Uncertain Significance. This sequence change replaces arginine, which is basic and polar, with tryptophan, which is neutral and slightly polar, at codon 31 of the BBIP1 protein (p.Arg31Trp). Algorithms developed to predict the effect of missense changes on protein structure and function are either unavailable or do not agree on the potential impact of this missense change (SIFT: "Deleterious"; PolyPhen-2: "Possibly Damaging"; Align-GVGD: "Class C15"). ClinVar contains an entry for this variant (Variation ID: 1352190). This variant has not been reported in the literature in individuals affected with BBIP1-related conditions. This variant is present in population databases (no rsID available, gnomAD 0.01%).

PreventionGenetics, part of Exact Sciences
Classification: Uncertain significance for BBIP1-related condition. Last evaluated: 2024-06-05. Review status: no assertion criteria provided. Collection method: clinical testing. Allele origin: germline. Not counted in ClinVar's aggregate classification.
Comment: The BBIP1 c.91C>T variant is predicted to result in the amino acid substitution p.Arg31Trp. To our knowledge, this variant has not been reported in the literature. This variant is reported in 0.0095% of alleles in individuals of East Asian descent in gnomAD. At this time, the clinical significance of this variant is uncertain due to the absence of conclusive functional and genetic evidence.

NM_001195305.3(BBIP1):c.91C>T (p.Arg31Trp)

Gene: BBIP1 (BBSome interacting protein 1; minus strand). Cytogenetic location: 10q25.2.
Variant type: single nucleotide variant.
Coding change: c.91C>T on transcript NM_001195305.3 (MANE Select); coding-DNA position 91, C replaced by T.
Protein change: p.Arg31Trp; replaces arginine 31 with tryptophan.
Molecular consequence: missense variant. On other transcripts: intron variant (1).
Genome position (GRCh38, 1-based): chr10:110,901,559, G>A on the plus strand (C>T on the coding strand, the complement: BBIP1 is on the minus strand). VCF-style: chr10-110901559-G-A. GRCh37 (hg19) VCF-style: chr10-112661317-G-A.
Other names: c.91C>T (NM_001195306.1); c.248C>T, p.Pro83Leu (NM_001195304.2); c.91C>T, p.Arg31Trp (NM_001195306.2); c.25C>T, p.Arg9Trp (NM_001243783.3); c.38-1033C>T (NM_001195307.2); short protein forms R9W, P83L, R31W.
Identifiers: ClinVar variation 1352190 (VCV001352190.8), dbSNP rs1187189064, ClinGen allele CA378389447.
Genomic context (GRCh38, chr10:110,901,559, plus strand): 5'-TGTAATAATCAATGACCTCAATATTTGTGATGTACATACCTTGCTTTGGAAGAACTTCCC[G>A]GAACATTGACTTCACTTCTGCCATATCTGAGTTGTTGGATATAGTGTTTTTTCCTTCAAT-3'
Protein context (NP_001182234.1, residues 21-41): SDMAEVKSMF[Arg31Trp]EVLPKQGPLF